The following is an entry in ClinVar:

NM_022124.6(CDH23):c.1745G>A (p.Arg582Gln)

Gene: CDH23 (cadherin related 23; plus strand). Cytogenetic location: 10q22.1.
Variant type: single nucleotide variant.
Coding change: c.1745G>A on transcript NM_022124.6 (MANE Select); coding-DNA position 1745, G replaced by A.
Protein change: p.Arg582Gln; replaces arginine 582 with glutamine.
Molecular consequence: missense variant.
Genome position (GRCh38, 1-based): chr10:71,677,686, G>A. VCF-style: chr10-71677686-G-A. GRCh37 (hg19) VCF-style: chr10-73437443-G-A.
Other names: c.1745G>A, p.Arg582Gln (NM_001171930.2, NM_001171931.2); short protein forms R582Q.
Identifiers: ClinVar variation 177725 (VCV000177725.9), dbSNP rs200263980, ClinGen allele CA180658.

ClinVar aggregate classification (germline): Uncertain significance. Review status: criteria provided, multiple submitters, no conflicts (2 of 4 stars). 5 submissions from 5 submitters: Uncertain significance (4). 1 of the submissions does not count toward it. Last evaluated 2024-09-10.

Conditions:
Usher syndrome type 1 (USH1). Also called: RETINITIS PIGMENTOSA AND CONGENITAL DEAFNESS. Identifiers: Orphanet 231169, Orphanet 886, MedGen C1568247, MONDO:0010168, OMIM 276900.

Allele frequency attached by ClinVar (database versions not stated): gnomAD exomes 0.00003 and 0.00005; ExAC 0.00004; gnomAD 0.00004; TOPMed 0.00005; ESP Exome Variant Server 0.00016.
gnomAD v4.1: 78 of 1,558,648 alleles (0.005%); highest among the groups gnomAD compares: South Asian, 0.0071%; no homozygotes.

Submissions (5):

Blueprint Genetics
Classification: Uncertain significance. Last evaluated: 2024-09-10. Review status: criteria provided, single submitter. Criteria: ACMG Guidelines, 2015. Collection method: clinical testing. Allele origin: germline.

Labcorp Genetics (formerly Invitae), Labcorp
Classification: Uncertain significance. Last evaluated: 2022-09-27. Review status: criteria provided, single submitter. Criteria: Invitae Variant Classification Sherloc (09022015). Collection method: clinical testing. Allele origin: germline.
Comment: This sequence change replaces arginine, which is basic and polar, with glutamine, which is neutral and polar, at codon 582 of the CDH23 protein (p.Arg582Gln). This variant is present in population databases (rs200263980, gnomAD 0.005%). This missense change has been observed in individual(s) with clinical features of CDH23-related conditions (PMID: 12075507). ClinVar contains an entry for this variant (Variation ID: 177725). Advanced modeling of protein sequence and biophysical properties (such as structural, functional, and spatial information, amino acid conservation, physicochemical variation, residue mobility, and thermodynamic stability) performed at Invitae indicates that this missense variant is not expected to disrupt CDH23 protein function. In summary, the available evidence is currently insufficient to determine the role of this variant in disease. Therefore, it has been classified as a Variant of Uncertain Significance.

Women's Health and Genetics/Laboratory Corporation of America, LabCorp
Classification: Uncertain significance. Last evaluated: 2021-10-06. Review status: criteria provided, single submitter. Criteria: LabCorp Variant Classification Summary - May 2015. Collection method: clinical testing. Allele origin: germline.
Comment: Variant summary: CDH23 c.1745G>A (p.Arg582Gln) results in a conservative amino acid change in the encoded protein sequence. Four of five in-silico tools predict a benign effect of the variant on protein function. The variant allele was found at a frequency of 3e-05 in 165250 control chromosomes. The available data on variant occurrences in the general population are insufficient to allow any conclusion about variant significance. c.1745G>A has been reported in the literature in at least one individual affected with recessive nonsyndromic deafness (Astuto_2002). This report does not provide unequivocal conclusions about association of the variant with Usher Syndrome. To our knowledge, no experimental evidence demonstrating an impact on protein function has been reported. No clinical diagnostic laboratories have submitted clinical-significance assessments for this variant to ClinVar after 2014. Based on the evidence outlined above, the variant was classified as uncertain significance.

Laboratory for Molecular Medicine, Mass General Brigham Personalized Medicine
Classification: Uncertain significance. Last evaluated: 2013-07-23. Review status: criteria provided, single submitter. Criteria: LMM Criteria. Collection method: clinical testing. Allele origin: germline. Observed: 1 variant allele.
Comment: This variant has been identified in 0.02% (2/8324) o f European American chromosomes by the NHLBI Exome Sequencing Project (s.; dbSNP rs200263980). Although this variant has been se en in the general population, its frequency is not high enough to rule out a pat hogenic role. Computational analyses (biochemical amino acid properties, conserv ation, AlignGVGD, PolyPhen2, and SIFT) do not provide strong support for or agai nst an impact to the protein. In summary, additional information is needed to fu lly assess the clinical significance of the Arg582Gln variant.

Natera, Inc.
Classification: Uncertain significance for Usher syndrome type 1. Last evaluated: 2021-01-19. Review status: no assertion criteria provided. Collection method: clinical testing. Allele origin: germline. Not counted in ClinVar's aggregate classification.

Literature cited by the submitters: PubMed 12075507 (cited by 3 submitters); PubMed 30245029 (cited by Women's Health and Genetics/Laboratory Corporation of America, LabCorp).